The following is an entry in ClinVar:

ClinVar aggregate classification (germline): Uncertain significance (1 of 4 stars; one submission).

gnomAD v4.1: 4 of 1,612,472 alleles (0.00025%); highest among the groups gnomAD compares: South Asian, 0.0033%; no homozygotes.

Submission:

Labcorp Genetics (formerly Invitae), Labcorp
Classification: Uncertain significance. Last evaluated: 2025-07-09. Review status: criteria provided, single submitter. Criteria: Invitae Variant Classification Sherloc (09022015). Collection method: clinical testing. Allele origin: germline.
Comment: This sequence change replaces threonine, which is neutral and polar, with isoleucine, which is neutral and non-polar, at codon 222 of the SLC19A1 protein (p.Thr222Ile). This variant is present in population databases (rs540209920, gnomAD 0.007%). This variant has not been reported in the literature in individuals affected with SLC19A1-related conditions. An algorithm developed to predict the effect of missense changes on protein structure and function (PolyPhen-2) suggests that this variant is likely to be tolerated. In summary, the available evidence is currently insufficient to determine the role of this variant in disease. Therefore, it has been classified as a Variant of Uncertain Significance.

NM_194255.4(SLC19A1):c.665C>T (p.Thr222Ile)

Gene: SLC19A1 (solute carrier family 19 member 1; minus strand). Cytogenetic location: 21q22.3.
Variant type: single nucleotide variant.
Coding change: c.665C>T on transcript NM_194255.4 (MANE Select); coding-DNA position 665, C replaced by T.
Protein change: p.Thr222Ile; replaces threonine 222 with isoleucine.
Molecular consequence: missense variant.
Genome position (GRCh38, 1-based): chr21:45,531,673, G>A on the plus strand (C>T on the coding strand, the complement: SLC19A1 is on the minus strand). VCF-style: chr21-45531673-G-A. GRCh37 (hg19) VCF-style: chr21-46951587-G-A.
Other names: c.665C>T, p.Thr222Ile (NM_001205206.4, NM_001352511.3, NM_001352512.2); c.545C>T, p.Thr182Ile (NM_001205207.3); c.311C>T, p.Thr104Ile (NM_001352510.2); short protein forms T222I, T182I, T104I.
Identifiers: ClinVar variation 4702714 (VCV004702714.1).